The following is an entry in ClinVar:

ClinVar aggregate classification (germline): Benign. Review status: criteria provided, multiple submitters, no conflicts (2 of 4 stars). 3 submissions from 3 submitters: Benign (3). Last evaluated 2026-01-28.

Conditions:
Fleck corneal dystrophy (CFD). Also called: CORNEAL DYSTROPHY, FRANCOIS-NEETENS SPECKLED OR FLECKED. Identifiers: Orphanet 98970, MedGen C1562113, MONDO:0007376, OMIM 121850.

Allele frequency attached by ClinVar (database versions not stated): 1000 Genomes Project 0.09904; 1000 Genomes Project 30x 0.10228; TOPMed 0.13160; gnomAD 0.13223 and 0.13441; ESP Exome Variant Server 0.14117.
gnomAD v4.1: 216,296 of 1,612,464 alleles (13%); highest among the groups gnomAD compares: Non-Finnish European, 14%; 15,306 homozygotes.

Submissions (3):

Labcorp Genetics (formerly Invitae), Labcorp
Classification: Benign. Last evaluated: 2026-01-28. Review status: criteria provided, single submitter. Criteria: Invitae Variant Classification Sherloc (09022015). Collection method: clinical testing. Allele origin: germline.

Illumina Laboratory Services, Illumina
Classification: Benign for Fleck corneal dystrophy. Last evaluated: 2018-01-12. Review status: criteria provided, single submitter. Criteria: ICSL Variant Classification Criteria 13 December 2019. Collection method: clinical testing. Allele origin: germline.
Comment: This variant was observed in the ICSL laboratory as part of a predisposition screen in an ostensibly healthy population. It had not been previously curated by ICSL or reported in the Human Gene Mutation Database (HGMD: prior to June 1st, 2018), and was therefore a candidate for classification through an automated scoring system. Utilizing variant allele frequency, disease prevalence and penetrance estimates, and inheritance mode, an automated score was calculated to assess if this variant is too frequent to cause the disease. Based on the score and internal cut-off values, a variant classified as benign is not then subjected to further curation. The score for this variant resulted in a classification of benign for this disease.

Breakthrough Genomics
Classification: Benign. Review status: criteria provided, single submitter. Criteria: ACMG Guidelines, 2015. Collection method: not provided. Allele origin: germline. Inheritance: Autosomal dominant inheritance. Affected: yes.

NM_015040.4(PIKFYVE):c.3097T>G (p.Ser1033Ala)

Gene: PIKFYVE (phosphoinositide kinase, FYVE-type zinc finger containing; plus strand). Cytogenetic location: 2q34.
Variant type: single nucleotide variant.
Coding change: c.3097T>G on transcript NM_015040.4 (MANE Select); coding-DNA position 3097, T replaced by G.
Protein change: p.Ser1033Ala; replaces serine 1033 with alanine.
Molecular consequence: missense variant.
Genome position (GRCh38, 1-based): chr2:208,325,908, T>G. VCF-style: chr2-208325908-T-G. GRCh37 (hg19) VCF-style: chr2-209190632-T-G.
Other names: short protein forms S1033A.
Identifiers: ClinVar variation 333911 (VCV000333911.10), dbSNP rs999890, ClinGen allele CA2079986.